The following is an entry in ClinVar:

ClinVar aggregate classification (germline): Uncertain significance (1 of 4 stars; one submission).

Conditions:
Developmental delay with or without dysmorphic facies and autism. Identifiers: MedGen C5193106, MONDO:0032760, OMIM 618454.

Submission:

Dasa
Classification: Uncertain significance for developmental delay with or without dysmorphic facies and autism. Last evaluated: 2025-02-27. Review status: criteria provided, single submitter. Criteria: DASA Assertion Criteria. Collection method: clinical testing. Allele origin: germline.
Comment: NM_001375524.1(TRRAP):c.1379C>G (p.Ala460Gly) is a missense variant that results in the substitution of alanine with glycine. This variant is absent from population databases. Computational prediction algorithms are consistent with a benign effect. The currently available literature and clinical evidence are not sufficient to establish a definitive association between this variant and the reported condition. Therefore, this variant is classified as a variant of uncertain significance.

NM_001375524.1(TRRAP):c.1379C>G (p.Ala460Gly)

Gene: TRRAP (transformation/transcription domain associated protein; plus strand). Cytogenetic location: 7q22.1.
Variant type: single nucleotide variant.
Coding change: c.1379C>G on transcript NM_001375524.1 (MANE Select); coding-DNA position 1379, C replaced by G.
Protein change: p.Ala460Gly; replaces alanine 460 with glycine.
Molecular consequence: missense variant.
Genome position (GRCh38, 1-based): chr7:98,910,084, C>G. VCF-style: chr7-98910084-C-G. GRCh37 (hg19) VCF-style: chr7-98507707-C-G.
Other names: c.1379C>G, p.Ala460Gly (NM_001244580.2, NM_003496.4); short protein forms A460G.
Identifiers: ClinVar variation 4881256 (VCV004881256.2).